The following is an entry in ClinVar:

ClinVar aggregate classification (germline): Uncertain significance. Review status: criteria provided, multiple submitters, no conflicts (2 of 4 stars). 2 submissions from 2 submitters: Uncertain significance (2). Last evaluated 2024-09-23.

Conditions:
Familial melanoma. Also called: Hereditary melanoma; Hereditary cutaneous melanoma. Identifiers: Orphanet 618, MedGen C1512419, MONDO:0018961.
Hereditary cancer-predisposing syndrome. Also called: Tumor predisposition; Hereditary neoplastic syndrome; Neoplastic Syndromes, Hereditary; Hereditary Cancer Syndrome. Identifiers: Orphanet 140162, MedGen C0027672, MeSH D009386, MONDO:0015356.

Submissions (2):

Ambry Genetics
Classification: Uncertain significance for Hereditary cancer-predisposing syndrome. Last evaluated: 2024-09-23. Review status: criteria provided, single submitter. Criteria: Ambry Variant Classification Scheme 2023. Collection method: clinical testing. Allele origin: germline.
Comment: The p.I203V variant (also known as c.607A>G), located in coding exon 4 of the CDK4 gene, results from an A to G substitution at nucleotide position 607. The isoleucine at codon 203 is replaced by valine, an amino acid with highly similar properties. This amino acid position is conserved. In addition, this alteration is predicted to be tolerated by in silico analysis. Based on the available evidence, the clinical significance of this variant remains unclear.

Labcorp Genetics (formerly Invitae), Labcorp
Classification: Uncertain significance for Familial melanoma. Last evaluated: 2022-08-08. Review status: criteria provided, single submitter. Criteria: Invitae Variant Classification Sherloc (09022015). Collection method: clinical testing. Allele origin: germline.
Comment: In summary, the available evidence is currently insufficient to determine the role of this variant in disease. Therefore, it has been classified as a Variant of Uncertain Significance. Algorithms developed to predict the effect of missense changes on protein structure and function are either unavailable or do not agree on the potential impact of this missense change (SIFT: "Deleterious"; PolyPhen-2: "Probably Damaging"; Align-GVGD: "Class C0"). This variant has not been reported in the literature in individuals affected with CDK4-related conditions. This variant is not present in population databases (gnomAD no frequency). This sequence change replaces isoleucine, which is neutral and non-polar, with valine, which is neutral and non-polar, at codon 203 of the CDK4 protein (p.Ile203Val).

NM_000075.4(CDK4):c.607A>G (p.Ile203Val)

Gene: CDK4 (cyclin dependent kinase 4; minus strand). Cytogenetic location: 12q14.1.
Variant type: single nucleotide variant.
Coding change: c.607A>G on transcript NM_000075.4 (MANE Select); coding-DNA position 607, A replaced by G.
Protein change: p.Ile203Val; replaces isoleucine 203 with valine.
Molecular consequence: missense variant.
Genome position (GRCh38, 1-based): chr12:57,750,681, T>C on the plus strand (A>G on the coding strand, the complement: CDK4 is on the minus strand). VCF-style: chr12-57750681-T-C. GRCh37 (hg19) VCF-style: chr12-58144464-T-C.
Other names: c.607A>G (NM_000075.3); short protein forms I203V.
Identifiers: ClinVar variation 1985319 (VCV001985319.5), dbSNP rs2140385652, ClinGen allele CA385545638.